The following is an entry in ClinVar:

NM_001290043.2(TAP2):c.*23G>A

Gene: TAP2 (transporter 2, ATP binding cassette subfamily B member; minus strand). Cytogenetic location: 6p21.32.
Variant type: single nucleotide variant.
Coding change: c.*23G>A on transcript NM_001290043.2 (MANE Select); 23 bases downstream of the stop codon, G replaced by A.
Molecular consequence: 3 prime UTR variant. On other transcripts: intron variant (1), missense variant (1).
Genome position (GRCh38, 1-based): chr6:32,828,883, C>T on the plus strand (G>A on the coding strand, the complement: TAP2 is on the minus strand). VCF-style: chr6-32828883-C-T. GRCh37 (hg19) VCF-style: chr6-32796660-C-T.
Other names: c.1932+517G>A (NM_018833.3); c.2084G>A, p.Arg695His (NM_000544.3); short protein forms R695H.
Identifiers: ClinVar variation 864698 (VCV000864698.6), dbSNP rs758979131, ClinGen allele CA3745728.

ClinVar aggregate classification (germline): Uncertain significance (1 of 4 stars; one submission).

Conditions:
MHC class I deficiency. Identifiers: Orphanet 34592, MedGen C6024714, MONDO:0011476.

Allele frequency attached by ClinVar (database versions not stated): gnomAD exomes 0.00005 and 0.00003; ExAC 0.00013.
gnomAD v4.1: 49 of 1,527,152 alleles (0.0032%); highest among the groups gnomAD compares: South Asian, 0.025%; 1 homozygote.

Submission:

Labcorp Genetics (formerly Invitae), Labcorp
Classification: Uncertain significance for MHC class I deficiency 1. Last evaluated: 2024-10-22. Review status: criteria provided, single submitter. Criteria: Invitae Variant Classification Sherloc (09022015). Collection method: clinical testing. Allele origin: germline.
Comment: This sequence change replaces arginine, which is basic and polar, with histidine, which is basic and polar, at codon 695 of the TAP2 protein (p.Arg695His). The frequency data for this variant in the population databases is considered unreliable, as metrics indicate poor data quality at this position in the gnomAD database. This variant has not been reported in the literature in individuals affected with TAP2-related conditions. ClinVar contains an entry for this variant (Variation ID: 864698). An algorithm developed to predict the effect of missense changes on protein structure and function outputs the following: PolyPhen-2: "Not Available". The histidine amino acid residue is found in multiple mammalian species, which suggests that this missense change does not adversely affect protein function. In summary, the available evidence is currently insufficient to determine the role of this variant in disease. Therefore, it has been classified as a Variant of Uncertain Significance.